The following is an entry in ClinVar:

ClinVar aggregate classification (germline): Uncertain significance. Review status: criteria provided, multiple submitters, no conflicts (2 of 4 stars). 2 submissions from 2 submitters: Uncertain significance (2). Last evaluated 2025-11-13.

Submissions (2):

Labcorp Genetics (formerly Invitae), Labcorp
Classification: Uncertain significance. Last evaluated: 2025-11-13. Review status: criteria provided, single submitter. Criteria: Invitae Variant Classification Sherloc (09022015). Collection method: clinical testing. Allele origin: germline.
Comment: This sequence change replaces leucine, which is neutral and non-polar, with phenylalanine, which is neutral and non-polar, at codon 653 of the JAK1 protein (p.Leu653Phe). This variant is not present in population databases (gnomAD no frequency). This variant has not been reported in the literature in individuals affected with JAK1-related conditions. ClinVar contains an entry for this variant (Variation ID: 3772187). Invitae Evidence Modeling of protein sequence and biophysical properties (such as structural, functional, and spatial information, amino acid conservation, physicochemical variation, residue mobility, and thermodynamic stability) indicates that this missense variant is not expected to disrupt JAK1 protein function with a negative predictive value of 80%. In summary, the available evidence is currently insufficient to determine the role of this variant in disease. Therefore, it has been classified as a Variant of Uncertain Significance.

CeGaT Center for Human Genetics Tuebingen
Classification: Uncertain significance. Last evaluated: 2024-12-01. Review status: criteria provided, single submitter. Criteria: CeGaT Center For Human Genetics Tuebingen Variant Classification Criteria Version 2. Collection method: clinical testing. Allele origin: germline. Affected: yes. Observed: 1 variant allele.
Comment: JAK1: PM2

NM_002227.4(JAK1):c.1957C>T (p.Leu653Phe)

Genes: JAK1 (Janus kinase 1; minus strand), LOC126805749 (BRD4-independent group 4 enhancer GRCh37_chr1:65312286-65313485; plus strand). Cytogenetic location: 1p31.3.
Variant type: single nucleotide variant.
Coding change: c.1957C>T on transcript NM_002227.4 (MANE Select); coding-DNA position 1957, C replaced by T.
Protein change: p.Leu653Phe; replaces leucine 653 with phenylalanine.
Molecular consequence: missense variant.
Genome position (GRCh38, 1-based): chr1:64,846,679, G>A on the plus strand (C>T on the coding strand, the complement: JAK1 is on the minus strand). VCF-style: chr1-64846679-G-A. GRCh37 (hg19) VCF-style: chr1-65312362-G-A.
Other names: c.1957C>T, p.Leu653Phe (NM_001320923.2, NM_001321852.2, NM_001321853.2 and 3 more transcripts); c.1954C>T, p.Leu652Phe (NM_001321857.2); short protein forms L652F, L653F.
Identifiers: ClinVar variation 3772187 (VCV003772187.14).
Genomic context (GRCh38, chr1:64,846,679, plus strand): 5'-ACCCACCCCTTTGAAAGAGAACACACTTACTCTCCACGTCGCGGACACAGACGCCATAGA[G>A]GTACACGATGTGTTTGTGGGAGACCTGTCTCATCATGCTGGCTGCCTCGAAGAAGGCCTG-3'
Protein context (NP_002218.2, residues 643-663): RQVSHKHIVY[Leu653Phe]YGVCVRDVEN